The following is an entry in ClinVar:

ClinVar aggregate classification (germline): Likely benign. Review status: criteria provided, single submitter (1 of 4 stars). 2 submissions from 2 submitters: Likely benign (1). 1 of the submissions does not count toward it. Last evaluated 2018-09-18.

Conditions:
ATP2C2-related disorder. Also called: ATP2C2-related condition.

Allele frequency attached by ClinVar (database versions not stated): gnomAD 0.00001.
gnomAD v4.1: 11 of 1,614,020 alleles (0.00068%); highest among the groups gnomAD compares: Admixed American, 0.005%; no homozygotes.

Submissions (2):

Labcorp Genetics (formerly Invitae), Labcorp
Classification: Likely benign. Last evaluated: 2018-09-18. Review status: criteria provided, single submitter. Criteria: Invitae Variant Classification Sherloc (09022015). Collection method: clinical testing. Allele origin: germline.

PreventionGenetics, part of Exact Sciences
Classification: Likely benign for ATP2C2-related condition. Last evaluated: 2019-08-09. Review status: no assertion criteria provided. Collection method: clinical testing. Allele origin: germline. Not counted in ClinVar's aggregate classification.
Comment: This variant is classified as likely benign based on ACMG/AMP sequence variant interpretation guidelines (Richards et al. 2015 PMID: 25741868, with internal and published modifications).

NM_014861.4(ATP2C2):c.1980+10G>A

Gene: ATP2C2 (ATPase secretory pathway Ca2+ transporting 2; plus strand). Cytogenetic location: 16q24.1.
Variant type: single nucleotide variant.
Coding change: c.1980+10G>A on transcript NM_014861.4 (MANE Select); 10 bases into the intron after coding-DNA position 1980, G replaced by A.
Molecular consequence: intron variant.
Genome position (GRCh38, 1-based): chr16:84,453,381, G>A. VCF-style: chr16-84453381-G-A. GRCh37 (hg19) VCF-style: chr16-84486987-G-A.
Other names: c.1980+10G>A (NM_001286527.3); c.1527+10G>A (NM_001291454.2).
Identifiers: ClinVar variation 751563 (VCV000751563.5), dbSNP rs369701861, ClinGen allele CA285531366.